The following is an entry in ClinVar:

ClinVar aggregate classification (germline): Uncertain significance. Review status: criteria provided, multiple submitters, no conflicts (2 of 4 stars). 2 submissions from 2 submitters: Uncertain significance (2). Last evaluated 2024-11-25.

Conditions:
Hereditary cancer-predisposing syndrome. Also called: Hereditary Cancer Syndrome; Tumor predisposition; Hereditary neoplastic syndrome; Neoplastic Syndromes, Hereditary. Identifiers: Orphanet 140162, MedGen C0027672, MeSH D009386, MONDO:0015356.
Hereditary diffuse gastric adenocarcinoma (HDGC). Also called: DIFFUSE GASTRIC AND LOBULAR BREAST CANCER SYNDROME. Identifiers: Orphanet 26106, MedGen C1708349, MONDO:0007648, OMIM 137215.

gnomAD v4.1: 3 of 1,614,036 alleles (0.00019%); highest among the groups gnomAD compares: Non-Finnish European, 0.00025%; no homozygotes.

Submissions (2):

Ambry Genetics
Classification: Uncertain significance for Hereditary cancer-predisposing syndrome. Last evaluated: 2024-11-25. Review status: criteria provided, single submitter. Criteria: Ambry Variant Classification Scheme 2023. Collection method: clinical testing. Allele origin: germline.
Comment: The p.A408E variant (also known as c.1223C>A), located in coding exon 9 of the CDH1 gene, results from a C to A substitution at nucleotide position 1223. The alanine at codon 408 is replaced by glutamic acid, an amino acid with dissimilar properties. This amino acid position is well conserved in available vertebrate species. In addition, this alteration is predicted to be tolerated by in silico analysis. Based on the available evidence, the clinical significance of this variant remains unclear.

Labcorp Genetics (formerly Invitae), Labcorp
Classification: Uncertain significance for Hereditary diffuse gastric adenocarcinoma. Last evaluated: 2024-01-05. Review status: criteria provided, single submitter. Criteria: Invitae Variant Classification Sherloc (09022015). Collection method: clinical testing. Allele origin: germline.
Comment: This sequence change replaces alanine, which is neutral and non-polar, with glutamic acid, which is acidic and polar, at codon 408 of the CDH1 protein (p.Ala408Glu). This variant is not present in population databases (gnomAD no frequency). This variant has not been reported in the literature in individuals affected with CDH1-related conditions. An algorithm developed to predict the effect of missense changes on protein structure and function (PolyPhen-2) suggests that this variant is likely to be disruptive. In summary, the available evidence is currently insufficient to determine the role of this variant in disease. Therefore, it has been classified as a Variant of Uncertain Significance.

NM_004360.5(CDH1):c.1223C>A (p.Ala408Glu)

Gene: CDH1 (cadherin 1; plus strand). Cytogenetic location: 16q22.1.
Variant type: single nucleotide variant.
Coding change: c.1223C>A on transcript NM_004360.5 (MANE Select); coding-DNA position 1223, C replaced by A.
Protein change: p.Ala408Glu; replaces alanine 408 with glutamic acid.
Molecular consequence: missense variant. On other transcripts: 5 prime UTR variant (2), intron variant (1).
Genome position (GRCh38, 1-based): chr16:68,813,398, C>A. VCF-style: chr16-68813398-C-A. GRCh37 (hg19) VCF-style: chr16-68847301-C-A.
Other names: c.-393C>A (NM_001317185.2); c.-597C>A (NM_001317186.2); c.1137+1135C>A (NM_001317184.2); short protein forms A408E.
Identifiers: ClinVar variation 3018885 (VCV003018885.4), dbSNP rs138135866, ClinGen allele CA396461380.
Genomic context (GRCh38, chr16:68,813,398, plus strand): 5'-AGGCTAACGTCGTAATCACCACACTGAAAGTGACTGATGCTGATGCCCCCAATACCCCAG[C>A]GTGGGAGGCTGTATACACCATATTGAATGATGATGGTGGACAATTTGTCGTCACCACAAA-3'
Protein context (NP_004351.1, residues 398-418): VTDADAPNTP[Ala408Glu]WEAVYTILND